The following is an entry in ClinVar:

NM_005235.3(ERBB4):c.2719+4A>T

Gene: ERBB4 (erb-b2 receptor tyrosine kinase 4; minus strand). Cytogenetic location: 2q34.
Variant type: single nucleotide variant.
Coding change: c.2719+4A>T on transcript NM_005235.3 (MANE Select); 4 bases into the intron after coding-DNA position 2719, A replaced by T.
Molecular consequence: intron variant.
Genome position (GRCh38, 1-based): chr2:211,428,404, T>A on the plus strand (A>T on the coding strand, the complement: ERBB4 is on the minus strand). VCF-style: chr2-211428404-T-A. GRCh37 (hg19) VCF-style: chr2-212293129-T-A.
Other names: c.2719+4A>T (NM_001042599.2); c.2689+4A>T (NM_001439006.1, NM_001439005.1).
Identifiers: ClinVar variation 1342338 (VCV001342338.1), dbSNP rs377251473, ClinGen allele CA2087656.
Genomic context (GRCh38, chr2:211,428,404, plus strand): 5'-CACATGAACTTAACATATGTATTTTTGCTTTACAAGCTTTAATTCGCAAAGAAGATTTAT[T>A]TACCATAGCTCCAAACGTCACTCTGATGGGTGAATTTCCTGTAATGTATACACTCCAGAG-3'

ClinVar aggregate classification (germline): Uncertain significance (1 of 4 stars; one submission).

Conditions:
ERBB4-related Non-syndromic intellectual disability or epilepsy.

Allele frequency attached by ClinVar (database versions not stated): TOPMed 0.00001; ExAC 0.00002; gnomAD 0.00002; gnomAD exomes 0.00002; ESP Exome Variant Server 0.00008.
gnomAD v4.1: 29 of 1,543,138 alleles (0.0019%); highest among the groups gnomAD compares: Non-Finnish European, 0.0025%; no homozygotes.

Submission:

New York Genome Center
Classification: Uncertain significance for ERBB4-related Non-syndromic intellectual disability or epilepsy. Last evaluated: 2021-05-14. Review status: criteria provided, single submitter. Criteria: NYGC Assertion Criteria 2020. Collection method: clinical testing. Allele origin: inherited. Observed: 1 heterozygote. Study: CSER-NYCKidSeq.
Comment: The inherited heterozygous c.2719+4A>T splice-region variant identified in intron 22 (of 27) of the ERBB4 gene has not been reported in affected individuals in the literature. The variant has 0.00001973 allele frequency in the gnomAD(v3) database (3 out of 152020 heterozygous alleles, no homozygotes) suggesting it is not a common benign variant in the populations represented in that database. The variant affects an evolutionarily conserved nucleotide and is predicted by multiple in silico tools to alter the wild-type mRNA splicing (TRAP score = 0.948, SPLICING ADA score = 0.986). Based on the available evidence, the inherited heterozygous c.2719+4A>T splice-region variant identified in the ERBB4 gene is reported as a variant of uncertain significance